The following is an entry in ClinVar:

NM_000384.3(APOB):c.3508+1G>T

Gene: APOB (apolipoprotein B; minus strand). Cytogenetic location: 2p24.1.
Variant type: single nucleotide variant.
Coding change: c.3508+1G>T on transcript NM_000384.3 (MANE Select); the canonical splice donor site of the intron after coding-DNA position 3508, G replaced by T.
Molecular consequence: splice donor variant.
Genome position (GRCh38, 1-based): chr2:21,015,369, C>A on the plus strand (G>T on the coding strand, the complement: APOB is on the minus strand). VCF-style: chr2-21015369-C-A. GRCh37 (hg19) VCF-style: chr2-21238241-C-A.
Identifiers: ClinVar variation 1494951 (VCV001494951.8), dbSNP rs867418897, ClinGen allele CA346008934.

ClinVar aggregate classification (germline): Likely pathogenic (1 of 4 stars; one submission).

Conditions:
Familial hypobetalipoproteinemia 1. Also called: APOB-Related Familial Hypobetalipoproteinemia; Hypobetalipoproteinemia, normotriglyceridemic; Acanthocytosis with hypobetalipoproteinemia. Identifiers: MedGen C4551990, MONDO:0014252, OMIM 615558.
Hypercholesterolemia, autosomal dominant, type B (FHCL2). Also called: Familial Hypercholesterolemia Type B; APOLIPOPROTEIN B-100, FAMILIAL DEFECTIVE; APOLIPOPROTEIN B-100, FAMILIAL LIGAND-DEFECTIVE; HYPERCHOLESTEROLEMIA, FAMILIAL, DUE TO LIGAND-DEFECTIVE APOLIPOPROTEIN B; Familial hypercholesterolemia 2; Hyperlipoproteinemia Type IIb. Identifiers: MedGen C1704417, MONDO:0007751, OMIM 144010.

Submission:

Labcorp Genetics (formerly Invitae), Labcorp
Classification: Likely pathogenic for Familial hypobetalipoproteinemia 1; Hypercholesterolemia, autosomal dominant, type B. Last evaluated: 2021-05-06. Review status: criteria provided, single submitter. Criteria: Invitae Variant Classification Sherloc (09022015). Collection method: clinical testing. Allele origin: germline.
Comment: Algorithms developed to predict the effect of sequence changes on RNA splicing suggest that this variant may disrupt the consensus splice site, but this prediction has not been confirmed by published transcriptional studies. This variant has not been reported in the literature in individuals with APOB-related conditions. This variant is not present in population databases (ExAC no frequency). This sequence change affects a donor splice site in intron 22 of the APOB gene. It is expected to disrupt RNA splicing. Variants that disrupt the donor or acceptor splice site typically lead to a loss of protein function (PMID: 16199547), and loss-of-function variants in APOB are known to be pathogenic (PMID: 20032471). In summary, the currently available evidence indicates that the variant is pathogenic, but additional data are needed to prove that conclusively. Therefore, this variant has been classified as Likely Pathogenic.

Literature cited by the submitters: PubMed 16199547; PubMed 20032471.